The following is an entry in ClinVar:

ClinVar aggregate classification (germline): Uncertain significance. Review status: criteria provided, multiple submitters, no conflicts (2 of 4 stars). 2 submissions from 2 submitters: Uncertain significance (2). Last evaluated 2025-11-27.

gnomAD v4.1: 20 of 1,601,856 alleles (0.0012%); highest among the groups gnomAD compares: Admixed American, 0.016%; no homozygotes.

Submissions (2):

Mayo Clinic Laboratories, Mayo Clinic
Classification: Uncertain significance. Last evaluated: 2025-11-27. Review status: criteria provided, single submitter. Criteria: ACMG Guidelines, 2015. Collection method: clinical testing. Allele origin: germline. Observed: 1 variant allele.
Comment: BP4

Ambry Genetics
Classification: Uncertain significance. Last evaluated: 2025-11-20. Review status: criteria provided, single submitter. Criteria: Ambry Variant Classification Scheme 2023. Collection method: clinical testing. Allele origin: germline.

NM_015268.4(DNAJC13):c.2029C>T (p.Arg677Trp)

Gene: DNAJC13 (DnaJ heat shock protein family (Hsp40) member C13; plus strand). Cytogenetic location: 3q22.1.
Variant type: single nucleotide variant.
Coding change: c.2029C>T on transcript NM_015268.4 (MANE Select); coding-DNA position 2029, C replaced by T.
Protein change: p.Arg677Trp; replaces arginine 677 with tryptophan.
Molecular consequence: missense variant.
Genome position (GRCh38, 1-based): chr3:132,466,359, C>T. VCF-style: chr3-132466359-C-T. GRCh37 (hg19) VCF-style: chr3-132185203-C-T.
Other names: p.Arg677Trp; c.2029C>T, p.Arg677Trp (NM_001329126.2); c.2029C>T (NM_015268.3); short protein forms R677W.
Identifiers: ClinVar variation 4540923 (VCV004540923.1).